The following is an entry in ClinVar:

ClinVar aggregate classification (germline): Pathogenic/Likely pathogenic. Review status: criteria provided, multiple submitters, no conflicts (2 of 4 stars). 2 submissions from 2 submitters: Pathogenic (1); Likely pathogenic (1). Last evaluated 2023-02-02.

Conditions:
3-Methylglutaconic aciduria type 2 (BTHS). Also called: CARDIOSKELETAL MYOPATHY WITH NEUTROPENIA AND ABNORMAL MITOCHONDRIA; Barth syndrome. Identifiers: Orphanet 111, MedGen C0574083, MONDO:0010543, OMIM 302060.

Submissions (2):

Molecular Diagnostics Lab, Nemours Children's Health, Delaware
Classification: Likely pathogenic for 3-Methylglutaconic aciduria type 2. Last evaluated: 2023-02-02. Review status: criteria provided, single submitter. Criteria: ACMG Guidelines, 2015. Collection method: clinical testing. Allele origin: de novo. Inheritance: X-linked inheritance. Affected: yes. Observed: 1 hemizygote.

Labcorp Genetics (formerly Invitae), Labcorp
Classification: Pathogenic for 3-Methylglutaconic aciduria type 2. Last evaluated: 2021-02-13. Review status: criteria provided, single submitter. Criteria: Invitae Variant Classification Sherloc (09022015). Collection method: clinical testing. Allele origin: germline.
Comment: For these reasons, this variant has been classified as Pathogenic. Nucleotide substitutions within the consensus splice site are a relatively common cause of aberrant splicing (PMID: 17576681, 9536098). Experimental studies have shown that this variant disrupts mRNA splicing and is expected to lead to the loss of protein expression (PMID: 9345098, 25652404). This variant has been observed in individual(s) with Barth syndrome (PMID: 9345098, Invitae). This variant is not present in population databases (ExAC no frequency). This sequence change falls in intron 1 of the TAZ gene. It does not directly change the encoded amino acid sequence of the TAZ protein. RNA analysis indicates that this variant induces altered splicing and likely disrupts the C-terminus of the protein.

Literature cited by the submitters: PubMed 9345098 (cited by Molecular Diagnostics Lab, Nemours Children's Health, Delaware and Labcorp Genetics (formerly Invitae), Labcorp); PubMed 14662265 (cited by Molecular Diagnostics Lab, Nemours Children's Health, Delaware); PubMed 17576681 (cited by Labcorp Genetics (formerly Invitae), Labcorp); PubMed 9536098 (cited by Labcorp Genetics (formerly Invitae), Labcorp); PubMed 25652404 (cited by Labcorp Genetics (formerly Invitae), Labcorp).

NM_000116.5(TAFAZZIN):c.109+5G>A

Genes: DNASE1L1 (deoxyribonuclease 1 like 1; minus strand), TAFAZZIN (tafazzin, phospholipid-lysophospholipid transacylase; plus strand), LOC130068869 (ATAC-STARR-seq lymphoblastoid silent region 21101; plus strand). Cytogenetic location: Xq28.
Variant type: single nucleotide variant.
Coding change: c.109+5G>A on transcript NM_000116.5 (MANE Select); 5 bases into the intron after coding-DNA position 109, G replaced by A.
Molecular consequence: intron variant. On other transcripts: 5 prime UTR variant (3), synonymous variant (4).
Genome position (GRCh38, 1-based): chrX:154,411,957, G>A. VCF-style: chrX-154411957-G-A. GRCh37 (hg19) VCF-style: chrX-153640294-G-A.
Other names: c.-497C>T (NM_001009932.3); c.-239C>T (NM_001009933.3); c.-154C>T (NM_001009934.3); c.114G>A, p.Glu38= (NM_001303465.2, NM_001410698.1, NM_001440856.1 and 1 more transcripts); c.109+5G>A (NM_181312.4, NM_181311.4, NM_181313.4 and 1 more transcripts).
Identifiers: ClinVar variation 1073013 (VCV001073013.7), dbSNP rs2148185111, ClinGen allele CA2499226503.